The following is an entry in ClinVar:

ClinVar aggregate classification (germline): Uncertain significance (1 of 4 stars; one submission).

Submission:

CeGaT Center for Human Genetics Tuebingen
Classification: Uncertain significance. Last evaluated: 2022-10-01. Review status: criteria provided, single submitter. Criteria: CeGaT Center For Human Genetics Tuebingen Variant Classification Criteria Version 2. Collection method: clinical testing. Allele origin: germline. Affected: yes. Observed: 1 variant allele.
Comment: MED13L: PM2, PP2

NM_015335.5(MED13L):c.3503T>C (p.Met1168Thr)

Gene: MED13L (mediator complex subunit 13L; minus strand). Cytogenetic location: 12q24.21.
Variant type: single nucleotide variant.
Coding change: c.3503T>C on transcript NM_015335.5 (MANE Select); coding-DNA position 3503, T replaced by C.
Protein change: p.Met1168Thr; replaces methionine 1168 with threonine.
Molecular consequence: missense variant.
Genome position (GRCh38, 1-based): chr12:115,991,451, A>G on the plus strand (T>C on the coding strand, the complement: MED13L is on the minus strand). VCF-style: chr12-115991451-A-G. GRCh37 (hg19) VCF-style: chr12-116429256-A-G.
Other names: short protein forms M1168T.
Identifiers: ClinVar variation 2643368 (VCV002643368.24), dbSNP rs2499856539, ClinGen allele CA386887590.
Genomic context (GRCh38, chr12:115,991,451, plus strand): 5'-CCAAAAATATCCAACTCATCTTCAAGGAAGAGTCCTGAATTGTAGCCAAGTTTGCGGTTC[A>G]TAATCGCACTAAACCCACAGGTACAGCGGTACTGGTCCTCATTGGAAGAATCGGGGATGT-3'
Protein context (NP_056150.1, residues 1158-1178): YRCTCGFSAI[Met1168Thr]NRKLGYNSGL